The following is an entry in ClinVar:

ClinVar aggregate classification (germline): Pathogenic (1 of 4 stars; one submission).

Conditions:
Neurofibromatosis, type 1 (NF1). Also called: Peripheral type neurofibromatosis; VON RECKLINGHAUSEN DISEASE; Neurofibromatosis, type I; NEUROFIBROMATOSIS, TYPE I, SOMATIC. Identifiers: Orphanet 636, MedGen C0027831, MONDO:0018975, OMIM 162200. Disease mechanism: loss of function.

Submission:

Institute of Human Genetics, University of Leipzig Medical Center
Classification: Pathogenic for Neurofibromatosis, type 1. Last evaluated: 2025-12-11. Review status: criteria provided, single submitter. Criteria: ACMG Guidelines, 2015. Collection method: clinical testing. Allele origin: unknown. Inheritance: Autosomal dominant inheritance. Affected: yes.
Comment: Criteria applied: PVS1,PM2

NM_001042492.3(NF1):c.2872_2878del (p.Thr958fs)

Gene: NF1 (neurofibromin 1; plus strand). Cytogenetic location: 17q11.2.
Variant type: Deletion.
Coding change: c.2872_2878del on transcript NM_001042492.3 (MANE Select); coding-DNA positions 2872 to 2878, 7 bases deleted (ACTCAAT; older notation c.2872_2878delACTCAAT).
Protein change: p.Thr958fs; shifts the reading frame from threonine 958.
Molecular consequence: frameshift variant.
Genome position (GRCh38, 1-based): chr17:31,229,856-31,229,862, ACTCAAT deleted; deleting any 7 consecutive bases within chr17:31,229,852-31,229,862 gives the same sequence; the c. name uses the placement nearest the transcript's 3' end. VCF-style (leftmost placement, unchanged base first): chr17-31229851-CCAATACT-C. GRCh37 (hg19) VCF-style: chr17-29556869-CCAATACT-C.
Other names: c.2872_2878del, p.Thr958fs (NM_000267.4); short protein forms T958fs.
Identifiers: ClinVar variation 4683099 (VCV004683099.1).